The following is an entry in ClinVar:

ClinVar aggregate classification (germline): Uncertain significance. Review status: criteria provided, multiple submitters, no conflicts (2 of 4 stars). 2 submissions from 2 submitters: Uncertain significance (2). Last evaluated 2026-03-01.

Conditions:
Landau-Kleffner syndrome (FESD). Also called: EPILEPSY, FOCAL, WITH SPEECH DISORDER AND WITH OR WITHOUT MENTAL RETARDATION; APHASIA, ACQUIRED, WITH EPILEPSY. Identifiers: Orphanet 1945, Orphanet 725, Orphanet 98818, MedGen C0282512, MONDO:0009509, OMIM 245570.

Submissions (2):

CeGaT Center for Human Genetics Tuebingen
Classification: Uncertain significance. Last evaluated: 2026-03-01. Review status: criteria provided, single submitter. Criteria: CeGaT Center For Human Genetics Tuebingen Variant Classification Criteria Version 2. Collection method: clinical testing. Allele origin: germline. Affected: yes. Observed: 1 variant allele.
Comment: GRIN2A: PM2, BP4

Labcorp Genetics (formerly Invitae), Labcorp
Classification: Uncertain significance for Landau-Kleffner syndrome. Last evaluated: 2024-06-05. Review status: criteria provided, single submitter. Criteria: Invitae Variant Classification Sherloc (09022015). Collection method: clinical testing. Allele origin: germline.
Comment: This sequence change replaces valine, which is neutral and non-polar, with isoleucine, which is neutral and non-polar, at codon 1296 of the GRIN2A protein (p.Val1296Ile). This variant is not present in population databases (gnomAD no frequency). This variant has not been reported in the literature in individuals affected with GRIN2A-related conditions. Advanced modeling of protein sequence and biophysical properties (such as structural, functional, and spatial information, amino acid conservation, physicochemical variation, residue mobility, and thermodynamic stability) performed at Invitae indicates that this missense variant is not expected to disrupt GRIN2A protein function with a negative predictive value of 95%. In summary, the available evidence is currently insufficient to determine the role of this variant in disease. Therefore, it has been classified as a Variant of Uncertain Significance.

NM_001134407.3(GRIN2A):c.3886G>A (p.Val1296Ile)

Gene: GRIN2A (glutamate ionotropic receptor NMDA type subunit 2A; minus strand). Cytogenetic location: 16p13.2.
Variant type: single nucleotide variant.
Coding change: c.3886G>A on transcript NM_001134407.3 (MANE Select); coding-DNA position 3886, G replaced by A.
Protein change: p.Val1296Ile; replaces valine 1296 with isoleucine.
Molecular consequence: missense variant. On other transcripts: intron variant (1).
Genome position (GRCh38, 1-based): chr16:9,763,658, C>T on the plus strand (G>A on the coding strand, the complement: GRIN2A is on the minus strand). VCF-style: chr16-9763658-C-T. GRCh37 (hg19) VCF-style: chr16-9857515-C-T.
Other names: c.3886G>A, p.Val1296Ile (NM_000833.5); c.3772+114G>A (NM_001134408.2); short protein forms V1296I.
Identifiers: ClinVar variation 3716139 (VCV003716139.6).